The following is an entry in ClinVar:

NM_000489.6(ATRX):c.56A>G (p.His19Arg)

Gene: ATRX (ATRX chromatin remodeler; minus strand). Cytogenetic location: Xq21.1.
Variant type: single nucleotide variant.
Coding change: c.56A>G on transcript NM_000489.6 (MANE Select); coding-DNA position 56, A replaced by G.
Protein change: p.His19Arg; replaces histidine 19 with arginine.
Molecular consequence: missense variant.
Genome position (GRCh38, 1-based): chrX:77,717,208, T>C on the plus strand (A>G on the coding strand, the complement: ATRX is on the minus strand). VCF-style: chrX-77717208-T-C. GRCh37 (hg19) VCF-style: chrX-76972685-T-C.
Other names: c.56A>G, p.His19Arg (NM_138270.5); short protein forms H19R.
Identifiers: ClinVar variation 2007281 (VCV002007281.1), dbSNP rs2520310647, ClinGen allele CA413724703.

ClinVar aggregate classification (germline): Uncertain significance (1 of 4 stars; one submission).

Conditions:
Alpha thalassemia-X-linked intellectual disability syndrome (ATRX). Also called: ALPHA-THALASSEMIA/MENTAL RETARDATION SYNDROME, X-LINKED; ATR, NONDELETION TYPE; ATR-X syndrome; Alpha thalassemia mental retardation syndrome, nondeletion type, X-linked; XLMR hypotonic face syndrome; X-linked alpha-thalassemia-mental retardation syndrome. Identifiers: Orphanet 847, MedGen C1845055, MONDO:0010519, OMIM 301040.

Submission:

Labcorp Genetics (formerly Invitae), Labcorp
Classification: Uncertain significance for Alpha thalassemia-X-linked intellectual disability syndrome. Last evaluated: 2022-09-30. Review status: criteria provided, single submitter. Criteria: Invitae Variant Classification Sherloc (09022015). Collection method: clinical testing. Allele origin: germline.
Comment: This sequence change replaces histidine, which is basic and polar, with arginine, which is basic and polar, at codon 19 of the ATRX protein (p.His19Arg). This variant is not present in population databases (gnomAD no frequency). This variant has not been reported in the literature in individuals affected with ATRX-related conditions. Advanced modeling of protein sequence and biophysical properties (such as structural, functional, and spatial information, amino acid conservation, physicochemical variation, residue mobility, and thermodynamic stability) performed at Invitae indicates that this missense variant is not expected to disrupt ATRX protein function. In summary, the available evidence is currently insufficient to determine the role of this variant in disease. Therefore, it has been classified as a Variant of Uncertain Significance.